The following is an entry in ClinVar:

NM_152564.5(VPS13B):c.5636G>A (p.Ser1879Asn)

Gene: VPS13B (vacuolar protein sorting 13 homolog B; plus strand). Cytogenetic location: 8q22.2.
Variant type: single nucleotide variant.
Coding change: c.5636G>A on transcript NM_152564.5 (MANE Select); coding-DNA position 5636, G replaced by A.
Protein change: p.Ser1879Asn; replaces serine 1879 with asparagine.
Molecular consequence: missense variant.
Genome position (GRCh38, 1-based): chr8:99,642,226, G>A. VCF-style: chr8-99642226-G-A. GRCh37 (hg19) VCF-style: chr8-100654454-G-A.
Other names: c.5636G>A (NM_152564.4); c.5711G>A, p.Ser1904Asn (NM_017890.5); short protein forms S1879N, S1904N.
Identifiers: ClinVar variation 858858 (VCV000858858.7), dbSNP rs760882381, ClinGen allele CA4823851.
Genomic context (GRCh38, chr8:99,642,226, plus strand): 5'-TTGCTAAGCCCAACCAGGCATGTATTTCCACGGTGACAGCAGAAGATCTCTTAAGGAGCA[G>A]CATTTCTTTTCCTTCAGGGAAAAAAATAGGGGTCCTCTCTCTTGAAAGTCTTCATGCATC-3'
Protein context (NP_689777.3, residues 1869-1889): TVTAEDLLRS[Ser1879Asn]ISFPSGKKIG

ClinVar aggregate classification (germline): Uncertain significance. Review status: criteria provided, multiple submitters, no conflicts (2 of 4 stars). 3 submissions from 3 submitters: Uncertain significance (2). 1 of the submissions does not count toward it. Last evaluated 2025-06-30.

Conditions:
VPS13B-related disorder. Also called: VPS13B-related condition.
Cohen syndrome (COH1). Also called: PEPPER SYNDROME; Cutis verticis gyrata, retinitis pigmentosa, and sensorineural deafness. Identifiers: Orphanet 193, MedGen C0265223, MONDO:0008999, OMIM 216550.

Allele frequency attached by ClinVar (database versions not stated): gnomAD exomes below 0.00001 and 0.00001; ExAC 0.00002; TOPMed 0.00003; gnomAD 0.00004.
gnomAD v4.1: 8 of 1,614,036 alleles (0.0005%); highest among the groups gnomAD compares: African/African-American, 0.008%; no homozygotes.

Submissions (3):

PreventionGenetics, part of Exact Sciences
Classification: Uncertain significance for VPS13B-related condition. Last evaluated: 2025-06-30. Review status: criteria provided, single submitter. Criteria: ACMG Guidelines, 2015. Collection method: clinical testing. Allele origin: germline.
Comment: The VPS13B c.5636G>A variant is predicted to result in the amino acid substitution p.Ser1879Asn. In an alternate transcript (NM_017890.4), this variant is known as c.5711G>A (p.Ser1904Asn). To our knowledge, this variant has not been reported in the literature. This variant is reported in 0.012% of alleles in individuals of African descent in gnomAD. At this time, the clinical significance of this variant is uncertain due to the absence of conclusive functional and genetic evidence.

Labcorp Genetics (formerly Invitae), Labcorp
Classification: Uncertain significance for Cohen syndrome. Last evaluated: 2022-04-28. Review status: criteria provided, single submitter. Criteria: Invitae Variant Classification Sherloc (09022015). Collection method: clinical testing. Allele origin: germline.
Comment: This sequence change replaces serine, which is neutral and polar, with asparagine, which is neutral and polar, at codon 1904 of the VPS13B protein (p.Ser1904Asn). This variant is present in population databases (rs760882381, gnomAD 0.01%). This variant has not been reported in the literature in individuals affected with VPS13B-related conditions. ClinVar contains an entry for this variant (Variation ID: 858858). Algorithms developed to predict the effect of missense changes on protein structure and function output the following: SIFT: "Not Available"; PolyPhen-2: "Possibly Damaging"; Align-GVGD: "Not Available". The asparagine amino acid residue is found in multiple mammalian species, which suggests that this missense change does not adversely affect protein function. In summary, the available evidence is currently insufficient to determine the role of this variant in disease. Therefore, it has been classified as a Variant of Uncertain Significance.

Natera, Inc.
Classification: Uncertain significance for Cohen syndrome. Last evaluated: 2020-09-09. Review status: no assertion criteria provided. Collection method: clinical testing. Allele origin: germline. Not counted in ClinVar's aggregate classification.